The following is an entry in ClinVar:

NM_004752.4(GCM2):c.301C>G (p.Leu101Val)

Gene: GCM2 (glial cells missing transcription factor 2; minus strand). Cytogenetic location: 6p24.2.
Variant type: single nucleotide variant.
Coding change: c.301C>G on transcript NM_004752.4 (MANE Select); coding-DNA position 301, C replaced by G.
Protein change: p.Leu101Val; replaces leucine 101 with valine.
Molecular consequence: missense variant.
Genome position (GRCh38, 1-based): chr6:10,877,182, G>C on the plus strand (C>G on the coding strand, the complement: GCM2 is on the minus strand). VCF-style: chr6-10877182-G-C. GRCh37 (hg19) VCF-style: chr6-10877415-G-C.
Other names: short protein forms L101V.
Identifiers: ClinVar variation 1705397 (VCV001705397.1), dbSNP rs2532753657, ClinGen allele CA362724607.

ClinVar aggregate classification (germline): Uncertain significance (1 of 4 stars; one submission).

Conditions:
Hypoparathyroidism, familial isolated, 2. Identifiers: MedGen C5394383, MONDO:0020798, OMIM 618883.

Submission:

3billion
Classification: Uncertain significance for Hypoparathyroidism, familial isolated, 2. Last evaluated: 2022-09-01. Review status: criteria provided, single submitter. Criteria: ACMG Guidelines, 2015. Collection method: clinical testing. Allele origin: germline. Affected: yes. Observed: 1 homozygote.
Comment: The variant is not observed in the gnomAD v2.1.1 dataset. In silico tool predictions suggest damaging effect of the variant on gene or gene product (REVEL: 0.68; 3Cnet: 0.84). Therefore, this variant is classified as uncertain significance according to the recommendation of ACMG/AMP guideline.